The following is an entry in ClinVar:

ClinVar aggregate classification (germline): Benign/Likely benign. Review status: criteria provided, multiple submitters, no conflicts (2 of 4 stars). 3 submissions from 3 submitters: Benign (1); Likely benign (1). 1 of the submissions does not count toward it. Last evaluated 2025-12-15.

Conditions:
KMT2D-related disorder. Also called: KMT2D-Related Disorders.
Kabuki syndrome. Also called: NIIKAWA-KUROKI SYNDROME; Kabuki make-up syndrome. Identifiers: Orphanet 2322, MedGen C0796004, MONDO:0016512.

Allele frequency attached by ClinVar (database versions not stated): gnomAD exomes 0.00008 and 0.00004; ExAC 0.00019; ESP Exome Variant Server 0.00027; gnomAD 0.00038 and 0.00034; 1000 Genomes Project 0.00140; TOPMed 0.00040.
gnomAD v4.1: 141 of 1,549,668 alleles (0.0091%); highest among the groups gnomAD compares: African/African-American, 0.14%; 1 homozygote.

Submissions (3):

Labcorp Genetics (formerly Invitae), Labcorp
Classification: Likely benign for Kabuki syndrome. Last evaluated: 2025-12-15. Review status: criteria provided, single submitter. Criteria: Invitae Variant Classification Sherloc (09022015). Collection method: clinical testing. Allele origin: germline.

GeneDx
Classification: Benign. Last evaluated: 2021-09-10. Review status: criteria provided, single submitter. Criteria: GeneDx Variant Classification Process June 2021. Collection method: clinical testing. Allele origin: germline. Affected: yes.

PreventionGenetics, part of Exact Sciences
Classification: Likely benign for KMT2D-related condition. Last evaluated: 2019-07-09. Review status: no assertion criteria provided. Collection method: clinical testing. Allele origin: germline. Not counted in ClinVar's aggregate classification.
Comment: This variant is classified as likely benign based on ACMG/AMP sequence variant interpretation guidelines (Richards et al. 2015 PMID: 25741868, with internal and published modifications).

NM_003482.4(KMT2D):c.11826A>G (p.Gln3942=)

Gene: KMT2D (lysine methyltransferase 2D; minus strand). Cytogenetic location: 12q13.12.
Variant type: single nucleotide variant.
Coding change: c.11826A>G on transcript NM_003482.4 (MANE Select); coding-DNA position 11826, A replaced by G.
Protein change: p.Gln3942=; no amino-acid change (glutamine 3942 retained).
Molecular consequence: synonymous variant.
Genome position (GRCh38, 1-based): chr12:49,032,879, T>C on the plus strand (A>G on the coding strand, the complement: KMT2D is on the minus strand). VCF-style: chr12-49032879-T-C. GRCh37 (hg19) VCF-style: chr12-49426662-T-C.
Identifiers: ClinVar variation 1254099 (VCV001254099.12), dbSNP rs112586166, ClinGen allele CA6546290.
Genomic context (GRCh38, chr12:49,032,879, plus strand): 5'-TTGTTGTTGCTGTTGCTGTTGTAGCTGCTGTTGCTGCTGTTGAAGCTGTTGCTGCTGCTG[T>C]TGTTGAAGCTGCTGCTGCTGTTGCTGCTGTTGAAGCTGTTGCTGCTGAAGTTGCTGTTGC-3'
Protein context (NP_003473.3, residues 3932-3952): QQQQQQQQLQ[Gln3942=]QQQQQLQQQQ